The following is an entry in ClinVar:

NM_014363.6(SACS):c.6312_6313del (p.His2105fs)

Gene: SACS (sacsin molecular chaperone; minus strand). Cytogenetic location: 13q12.12.
Variant type: Deletion.
Coding change: c.6312_6313del on transcript NM_014363.6 (MANE Select); coding-DNA positions 6312 to 6313, 2 bases deleted (GC; older notation c.6312_6313delGC).
Protein change: p.His2105fs; shifts the reading frame from histidine 2105.
Molecular consequence: frameshift variant.
Genome position (GRCh38, 1-based): chr13:23,337,563-23,337,564, GC deleted on the plus strand (GC on the coding strand, the reverse complement: SACS is on the minus strand). VCF-style (leftmost placement, unchanged base first): chr13-23337562-TGC-T. GRCh37 (hg19) VCF-style: chr13-23911701-TGC-T.
Other names: c.6312_6313delGC (NM_014363.6); c.6312_6313del (NM_014363.5); c.5871_5872del, p.His1958fs (NM_001278055.2); short protein forms H1958fs, H2105fs.
Identifiers: ClinVar variation 3768066 (VCV003768066.2).

ClinVar aggregate classification (germline): Pathogenic/Likely pathogenic. Review status: criteria provided, multiple submitters, no conflicts (2 of 4 stars). 2 submissions from 2 submitters: Pathogenic (1); Likely pathogenic (1). Last evaluated 2024-12-13.

Conditions:
Charlevoix-Saguenay spastic ataxia (SACS). Also called: SPASTIC ATAXIA 6, AUTOSOMAL RECESSIVE; AUTOSOMAL RECESSIVE SPASTIC ATAXIA OF CHARLEVOIX-SAGUENAY; Spastic ataxia of Charlevoix-Saguenay. Identifiers: Orphanet 98, MedGen C1849140, MONDO:0010041, OMIM 270550.

Submissions (2):

Women's Health and Genetics/Laboratory Corporation of America, LabCorp
Classification: Pathogenic for Charlevoix-Saguenay spastic ataxia. Last evaluated: 2024-12-13. Review status: criteria provided, single submitter. Criteria: LabCorp Variant Classification Summary - May 2015. Collection method: clinical testing. Allele origin: germline.
Comment: Variant summary: SACS c.6312_6313delGC (p.His2105SerfsX20) results in a premature termination codon, predicted to cause a truncation of the encoded protein, which are commonly known mechanisms for disease. Variants downstream of this position have been classified Pathogenic in ClinVar (p.Gln4426Ter, p.Tyr4392Ter). The variant was absent in 250692 control chromosomes. To our knowledge, no occurrence of c.6312_6313delGC in individuals affected with Autosomal Recessive Spastic Ataxia Of Charlevoix-Saguenay and no experimental evidence demonstrating its impact on protein function have been reported. No submitters have cited clinical-significance assessments for this variant to ClinVar. Based on the evidence outlined above, the variant was classified as pathogenic.

Natera, Inc.
Classification: Likely pathogenic for Charlevoix-Saguenay type spastic ataxia. Last evaluated: 2024-12-02. Review status: criteria provided, single submitter. Criteria: Natera Variant Classification Schema (03/2026). Collection method: clinical testing. Allele origin: germline.
Comment: The c.6312_6313del variant in SACS is a frameshift variant predicted to shift the reading frame beginning at codon 2105 and leads to a stop codon 20 codons downstream. This variant is expected to result in nonsense mediated decay, truncation, or a dysfunctional protein product. This variant is rare in the general population with a frequency below the threshold expected for the associated phenotype(s). Given the available evidence, this variant is classified as Likely Pathogenic.